The following is an entry in ClinVar:

ClinVar aggregate classification (germline): Conflicting classifications of pathogenicity. Review status: criteria provided, conflicting classifications (1 of 4 stars). 4 submissions from 4 submitters: Uncertain significance (3); Likely benign (1). Last evaluated 2025-03-23.

Conditions:
Hereditary cancer-predisposing syndrome. Also called: Tumor predisposition; Hereditary Cancer Syndrome; Neoplastic Syndromes, Hereditary; Hereditary neoplastic syndrome. Identifiers: Orphanet 140162, MedGen C0027672, MeSH D009386, MONDO:0015356.
Hereditary breast ovarian cancer syndrome. Also called: Hereditary breast and ovarian cancer; Breast and ovarian cancer; Hereditary breast and/or ovarian cancer syndrome; Hereditary breast and ovarian cancer syndrome; BRCA1- and BRCA2-Associated Hereditary Breast and Ovarian Cancer; Hereditary breast and ovarian cancer syndrome (HBOC). Identifiers: Orphanet 145, MedGen C0677776, MeSH D061325, MONDO:0003582. Disease mechanism: loss of function.

Submissions (4):

Labcorp Genetics (formerly Invitae), Labcorp
Classification: Uncertain significance for Hereditary breast ovarian cancer syndrome. Last evaluated: 2025-03-23. Review status: criteria provided, single submitter. Criteria: Invitae Variant Classification Sherloc (09022015). Collection method: clinical testing. Allele origin: germline.
Comment: This sequence change replaces isoleucine, which is neutral and non-polar, with methionine, which is neutral and non-polar, at codon 917 of the BRCA1 protein (p.Ile917Met). This variant is not present in population databases (gnomAD no frequency). This variant has not been reported in the literature in individuals affected with BRCA1-related conditions. ClinVar contains an entry for this variant (Variation ID: 821765). Invitae Evidence Modeling of protein sequence and biophysical properties (such as structural, functional, and spatial information, amino acid conservation, physicochemical variation, residue mobility, and thermodynamic stability) indicates that this missense variant is not expected to disrupt BRCA1 protein function with a negative predictive value of 80%. In summary, the available evidence is currently insufficient to determine the role of this variant in disease. Therefore, it has been classified as a Variant of Uncertain Significance.

Ambry Genetics
Classification: Uncertain significance for Hereditary cancer-predisposing syndrome. Last evaluated: 2024-04-12. Review status: criteria provided, single submitter. Criteria: Ambry Variant Classification Scheme 2023. Collection method: clinical testing. Allele origin: germline.
Comment: The p.I917M variant (also known as c.2751C>G), located in coding exon 9 of the BRCA1 gene, results from a C to G substitution at nucleotide position 2751. The isoleucine at codon 917 is replaced by methionine, an amino acid with highly similar properties. This alteration has been classified as likely neutral or of little clinical significance based on a classification system using interspecific sequence variation (Abkevich V et al. J. Med. Genet. 2004 Jul;41:492-507). This amino acid position is not well conserved in available vertebrate species. In addition, this alteration is predicted to be tolerated by in silico analysis. Since supporting evidence is limited at this time, the clinical significance of this alteration remains unclear.

University of Washington Department of Laboratory Medicine, University of Washington
Classification: Likely benign for Hereditary cancer-predisposing syndrome. Last evaluated: 2023-03-23. Review status: criteria provided, single submitter. Criteria: Dines et al. (Genet Med. 2020). Collection method: curation. Allele origin: germline.
Comment: Missense variant in a coldspot region where missense variants are very unlikely to be pathogenic (PMID:31911673).

BRCA1 coldspot (exon 11 using historical exon numbering). Reclassification based on statistical prior probability

GeneDx
Classification: Uncertain significance. Last evaluated: 2022-07-11. Review status: criteria provided, single submitter. Criteria: GeneDx Variant Classification Process June 2021. Collection method: clinical testing. Allele origin: germline. Affected: yes.
Comment: Not observed at significant frequency in large population cohorts (gnomAD); In silico analysis supports that this missense variant does not alter protein structure/function; Has not been previously published as pathogenic or benign to our knowledge; Also known as 2870A>G; This variant is associated with the following publications: (PMID: 15235020, 15343273)

Literature cited by the submitters: PubMed 15235020 (cited by Ambry Genetics).

NM_007294.4(BRCA1):c.2751C>G (p.Ile917Met)

Gene: BRCA1 (BRCA1 DNA repair associated; minus strand). Cytogenetic location: 17q21.31.
Variant type: single nucleotide variant.
Coding change: c.2751C>G on transcript NM_007294.4 (MANE Select); coding-DNA position 2751, C replaced by G.
Protein change: p.Ile917Met; replaces isoleucine 917 with methionine.
Molecular consequence: missense variant. On other transcripts: intron variant (137).
Genome position (GRCh38, 1-based): chr17:43,092,780, G>C on the plus strand (C>G on the coding strand, the complement: BRCA1 is on the minus strand). VCF-style: chr17-43092780-G-C. GRCh37 (hg19) VCF-style: chr17-41244797-G-C.
Other names: c.2625C>G, p.Ile875Met (NM_001407690.1, NM_001407691.1, NM_001407649.1 and 11 more transcripts); c.665-1748C>G (NM_001408425.1, NM_001408440.1, NM_001408428.1 and 12 more transcripts); c.671-1748C>G (NM_001408419.1, NM_001408422.1, NM_001408418.1 and 2 more transcripts); c.788-1748C>G (NM_001408403.1, NM_001407983.1, NM_001407975.1 and 17 more transcripts); c.791-1757C>G (NM_001408406.1); c.647-1748C>G (NM_001408456.1, NM_001408410.1, NM_001408458.1 and 11 more transcripts); c.578-1748C>G (NM_001408482.1, NM_001408484.1, NM_001408478.1 and 9 more transcripts); c.2610C>G, p.Ile870Met (NM_001407696.1, NM_001407697.1, NM_001407692.1 and 29 more transcripts); and 41 more; short protein forms I870M, I917M, I790M, I846M, I847M, I849M, I914M, I621M.
Identifiers: ClinVar variation 821765 (VCV000821765.11), dbSNP rs1597867872, ClinGen allele CA10596488.